The following is an entry in ClinVar:

ClinVar aggregate classification (germline): Likely benign (1 of 4 stars; one submission).

Allele frequency attached by ClinVar (database versions not stated): 1000 Genomes Project 30x 0.00187; 1000 Genomes Project 0.00240; TOPMed 0.00420; ESP Exome Variant Server 0.00694; gnomAD exomes 0.00846; gnomAD 0.00904; ExAC 0.00938.
gnomAD v4.1: 13,427 of 1,597,106 alleles (0.84%); highest among the groups gnomAD compares: Non-Finnish European, 0.81%; 174 homozygotes.

Submission:

CeGaT Center for Human Genetics Tuebingen
Classification: Likely benign. Last evaluated: 2023-04-01. Review status: criteria provided, single submitter. Criteria: CeGaT Center For Human Genetics Tuebingen Variant Classification Criteria Version 2. Collection method: clinical testing. Allele origin: germline. Affected: yes. Observed: 1 variant allele.
Comment: SCG3: BP4, BP7, BS2

NM_013243.4(SCG3):c.381G>A (p.Leu127=)

Gene: SCG3 (secretogranin III; plus strand). Cytogenetic location: 15q21.2.
Variant type: single nucleotide variant.
Coding change: c.381G>A on transcript NM_013243.4 (MANE Select); coding-DNA position 381, G replaced by A.
Protein change: p.Leu127=; no amino-acid change (leucine 127 retained).
Molecular consequence: synonymous variant. On other transcripts: 5 prime UTR variant (1).
Genome position (GRCh38, 1-based): chr15:51,683,418, G>A. VCF-style: chr15-51683418-G-A. GRCh37 (hg19) VCF-style: chr15-51975615-G-A.
Other names: c.-316G>A (NM_001165257.2).
Identifiers: ClinVar variation 2645349 (VCV002645349.24), dbSNP rs142789927, ClinGen allele CA7563112.
Genomic context (GRCh38, chr15:51,683,418, plus strand): 5'-TGTTGATTCAACCAAGAATCGAAAACTGATCGATGATTATGACTCTACTAAGAGTGGATT[G>A]GATCATAAATTTCAAGGTAAATGAGAAAAAAAGAACTTTTTGTTAACGTGGAGTTTCCTA-3'
Protein context (NP_037375.2, residues 117-137): IDDYDSTKSG[Leu127=]DHKFQDDPDG